The following is an entry in ClinVar:

ClinVar aggregate classification (germline): Uncertain significance (1 of 4 stars; one submission).

Conditions:
COL5A1-related disorder. Also called: COL5A1-related condition.

Submission:

PreventionGenetics, part of Exact Sciences
Classification: Uncertain significance for COL5A1-related condition. Last evaluated: 2026-08-31. Review status: criteria provided, single submitter. Criteria: ACMG Guidelines, 2015. Collection method: clinical testing. Allele origin: germline.
Comment: The COL5A1 c.142T>G variant is predicted to result in the amino acid substitution p.Phe48Val. To our knowledge, this variant has not been reported in the literature or in a large population database (gnomAD), indicating this variant is rare. At this time, the clinical significance of this variant is uncertain due to the absence of conclusive functional and genetic evidence.

NM_000093.5(COL5A1):c.142T>G (p.Phe48Val)

Gene: COL5A1 (collagen type V alpha 1 chain; plus strand). Cytogenetic location: 9q34.3.
Variant type: single nucleotide variant.
Coding change: c.142T>G on transcript NM_000093.5 (MANE Select); coding-DNA position 142, T replaced by G.
Protein change: p.Phe48Val; replaces phenylalanine 48 with valine.
Molecular consequence: missense variant.
Genome position (GRCh38, 1-based): chr9:134,690,944, T>G. VCF-style: chr9-134690944-T-G. GRCh37 (hg19) VCF-style: chr9-137582790-T-G.
Other names: c.142T>G, p.Phe48Val (NM_001278074.1); short protein forms F48V.
Identifiers: ClinVar variation 4983310 (VCV004983310.1).